The following is an entry in ClinVar:

NM_174936.4(PCSK9):c.960C>T (p.Asp320=)

Gene: PCSK9 (proprotein convertase subtilisin/kexin type 9; plus strand). Cytogenetic location: 1p32.3.
Variant type: single nucleotide variant.
Coding change: c.960C>T on transcript NM_174936.4 (MANE Select); coding-DNA position 960, C replaced by T.
Protein change: p.Asp320=; no amino-acid change (aspartic acid 320 retained).
Molecular consequence: synonymous variant. On other transcripts: non-coding transcript variant (8).
Genome position (GRCh38, 1-based): chr1:55,056,153, C>T. VCF-style: chr1-55056153-C-T. GRCh37 (hg19) VCF-style: chr1-55521826-C-T.
Other names: p.Asp320=; c.1083C>T, p.Asp361= (NM_001407240.1); c.960C>T, p.Asp320= (NM_001407241.1, NM_001407244.1, NM_001407247.1); c.963C>T, p.Asp321= (NM_001407242.1); c.903C>T, p.Asp301= (NM_001407243.1); c.768C>T, p.Asp256= (NM_001407245.1); c.585C>T, p.Asp195= (NM_001407246.1).
Identifiers: ClinVar variation 496567 (VCV000496567.16), dbSNP rs910368517, ClinGen allele CA417959956.

ClinVar aggregate classification (germline): Likely benign. Review status: criteria provided, multiple submitters, no conflicts (2 of 4 stars). 6 submissions from 6 submitters: Likely benign (6). Last evaluated 2026-09-01.

Conditions:
Hypercholesterolemia, autosomal dominant, 3 (FHCL3). Also called: Familial Hypercholesterolemia, Autosomal Dominant, 3; PCSK9-Related Familial Hypercholesterolemia, Autosomal Dominant; Familial hypercholesterolemia 3. Identifiers: MedGen C1863551, MONDO:0011369, OMIM 603776.
Cardiovascular phenotype. Identifiers: MedGen CN230736.

Allele frequency attached by ClinVar (database versions not stated): TOPMed below 0.00001; gnomAD exomes 0.00001.
gnomAD v4.1: 4 of 1,532,786 alleles (0.00026%); highest among the groups gnomAD compares: Admixed American, 0.0037%; no homozygotes.

Submissions (6):

CeGaT Center for Human Genetics Tuebingen
Classification: Likely benign. Last evaluated: 2026-09-01. Review status: criteria provided, single submitter. Criteria: CeGaT Center For Human Genetics Tuebingen Variant Classification Criteria Version 2. Collection method: clinical testing. Allele origin: germline. Affected: yes. Observed: 1 variant allele.
Comment: PCSK9: BP4, BP7

Mayo Clinic Laboratories, Mayo Clinic
Classification: Likely benign. Last evaluated: 2025-10-19. Review status: criteria provided, single submitter. Criteria: ACMG Guidelines, 2015. Collection method: clinical testing. Allele origin: germline. Observed: 1 variant allele.
Comment: BP4, BP7

Labcorp Genetics (formerly Invitae), Labcorp
Classification: Likely benign for Hypercholesterolemia, autosomal dominant, 3. Last evaluated: 2023-10-04. Review status: criteria provided, single submitter. Criteria: Invitae Variant Classification Sherloc (09022015). Collection method: clinical testing. Allele origin: germline.

Ambry Genetics
Classification: Likely benign for Cardiovascular phenotype. Last evaluated: 2022-10-23. Review status: criteria provided, single submitter. Criteria: Ambry Variant Classification Scheme 2023. Collection method: clinical testing. Allele origin: germline.

Fulgent Genetics
Classification: Likely benign for Hypercholesterolemia, autosomal dominant, 3. Last evaluated: 2021-07-14. Review status: criteria provided, single submitter. Criteria: ACMG Guidelines, 2015. Collection method: clinical testing. Allele origin: unknown.

Women's Health and Genetics/Laboratory Corporation of America, LabCorp
Classification: Likely benign. Last evaluated: 2019-08-29. Review status: criteria provided, single submitter. Criteria: LabCorp Variant Classification Summary - May 2015. Collection method: clinical testing. Allele origin: germline.